The following is an entry in ClinVar:

ClinVar aggregate classification (germline): Conflicting classifications of pathogenicity. Review status: criteria provided, conflicting classifications (1 of 4 stars). 2 submissions from 2 submitters: Uncertain significance (1); Likely benign (1). Last evaluated 2026-02-13.

Conditions:
Hereditary cancer-predisposing syndrome. Also called: Hereditary Cancer Syndrome; Neoplastic Syndromes, Hereditary; Tumor predisposition; Hereditary neoplastic syndrome. Identifiers: Orphanet 140162, MedGen C0027672, MeSH D009386, MONDO:0015356.
Familial cancer of breast. Also called: BREAST CANCER, FAMILIAL; hereditary breast carcinoma; Hereditary breast cancer. Identifiers: Orphanet 227535, MedGen C0346153, MONDO:0016419, OMIM 114480. Disease mechanism: loss of function.

Submissions (2):

Ambry Genetics
Classification: Likely benign for Hereditary cancer-predisposing syndrome. Last evaluated: 2026-02-13. Review status: criteria provided, single submitter. Criteria: Ambry Variant Classification Scheme 2023. Collection method: clinical testing. Allele origin: germline.

Labcorp Genetics (formerly Invitae), Labcorp
Classification: Uncertain significance for Familial cancer of breast. Last evaluated: 2024-02-24. Review status: criteria provided, single submitter. Criteria: Invitae Variant Classification Sherloc (09022015). Collection method: clinical testing. Allele origin: germline.
Comment: This sequence change replaces isoleucine, which is neutral and non-polar, with methionine, which is neutral and non-polar, at codon 1072 of the PALB2 protein (p.Ile1072Met). This variant is not present in population databases (gnomAD no frequency). This variant has not been reported in the literature in individuals affected with PALB2-related conditions. An algorithm developed to predict the effect of missense changes on protein structure and function (PolyPhen-2) suggests that this variant is likely to be tolerated. In summary, the available evidence is currently insufficient to determine the role of this variant in disease. Therefore, it has been classified as a Variant of Uncertain Significance.

NM_024675.4(PALB2):c.3216T>G (p.Ile1072Met)

Gene: PALB2 (partner and localizer of BRCA2; minus strand). Cytogenetic location: 16p12.2.
Variant type: single nucleotide variant.
Coding change: c.3216T>G on transcript NM_024675.4 (MANE Select); coding-DNA position 3216, T replaced by G.
Protein change: p.Ile1072Met; replaces isoleucine 1072 with methionine.
Molecular consequence: missense variant. On other transcripts: intron variant (8).
Genome position (GRCh38, 1-based): chr16:23,607,998, A>C on the plus strand (T>G on the coding strand, the complement: PALB2 is on the minus strand). VCF-style: chr16-23607998-A-C. GRCh37 (hg19) VCF-style: chr16-23619319-A-C.
Other names: c.3156T>G, p.Ile1052Met (NM_001407296.1); c.3144T>G, p.Ile1048Met (NM_001407297.1); c.3054T>G, p.Ile1018Met (NM_001407298.1); c.2937T>G, p.Ile979Met (NM_001407300.1); c.2331T>G, p.Ile777Met (NM_001407304.1, NM_001407305.1, NM_001407306.1); c.2169T>G, p.Ile723Met (NM_001407307.1); c.1428T>G, p.Ile476Met (NM_001407312.1); c.750T>G, p.Ile250Met (NM_001407314.1); and 6 more; short protein forms I476M, I1048M, I1052M, I1072M, I723M, I979M, I777M, I1018M.
Identifiers: ClinVar variation 3643049 (VCV003643049.3).